The following is an entry in ClinVar:

NM_000219.6(KCNE1):c.106dup (p.Arg36fs)

Gene: KCNE1 (potassium voltage-gated channel subfamily E regulatory subunit 1; minus strand). Cytogenetic location: 21q22.12.
Variant type: Duplication.
Coding change: c.106dup on transcript NM_000219.6 (MANE Select); coding-DNA position 106, one base duplicated (C; older notation c.106dupC).
Protein change: p.Arg36fs; shifts the reading frame from arginine 36.
Molecular consequence: frameshift variant.
Genome position (GRCh38, 1-based): chr21:34,449,529, G duplicated on the plus strand (C on the coding strand, the reverse complement: KCNE1 is on the minus strand); the first of 6 consecutive G bases (chr21:34,449,529-34,449,534); duplicating any one gives the same sequence. VCF-style (leftmost placement, unchanged base first): chr21-34449528-C-CG. GRCh37 (hg19) VCF-style: chr21-35821826-C-CG.
Other names: c.106dup, p.Arg36fs (NM_001127668.4, NM_001127669.4, NM_001127670.4 and 4 more transcripts); c.106dup (NM_000219.3); c.106dupC (NM_000219.3); short protein forms R36fs.
Identifiers: ClinVar variation 1705696 (VCV001705696.6), dbSNP rs1568836956, ClinGen allele CA1022001479.

ClinVar aggregate classification (germline): Conflicting classifications of pathogenicity. Review status: criteria provided, conflicting classifications (1 of 4 stars). 4 submissions from 4 submitters: Pathogenic (1); Likely pathogenic (2); Uncertain significance (1). Last evaluated 2025-04-17.

Conditions:
Cardiovascular phenotype. Identifiers: MedGen CN230736.
Long QT syndrome (LQTS). Identifiers: MedGen C0023976, MeSH D008133, MONDO:0002442. Disease mechanism: loss of function. Inheritance: Various modes of inheritance.
Long QT syndrome 5 (LQT5). Identifiers: Orphanet 101016, Orphanet 768, MedGen C1867904, MONDO:0013372, OMIM 613695.

Submissions (4):

Ambry Genetics
Classification: Likely pathogenic for Cardiovascular phenotype. Last evaluated: 2025-04-17. Review status: criteria provided, single submitter. Criteria: Ambry Variant Classification Scheme 2023. Collection method: clinical testing. Allele origin: germline.
Comment: The c.106dupC variant, located in coding exon 1 of the KCNE1 gene, results from a duplication of C at nucleotide position 106, causing a translational frameshift with a predicted alternate stop codon (p.R36Pfs*4). The predicted stop codon occurs in the 5&rsquo; end of theKCNE1 gene. Premature termination codons in the 5&rsquo; end of a gene have been reported to escape nonsense-mediated mRNAdecay and/or lead to re-initiation (Rivas et al. Science. 2015 May 8;348(6235):666-9; Lindeboom et al. Nat Genet. 2016 Oct;48(10):1112-8; Rhee et al. Sci Rep. 2017 May 10;7(1):1653). Direct evidence for this alteration is unavailable, however premature termination codons are typically deleterious in nature. This variant is considered to be rare based on population cohorts in the Genome Aggregation Database (gnomAD). Based on the majority of available evidence to date, this variant is likely to be pathogenic. However, pathogenic and likely pathogenic KCNE1 variants typically exhibit low penetrance in the heterozygous state and may represent risk factors that manifest clinically only in the presence of additional genetic or environmental factors (Roberts JD et al. Circulation. 2020 02;141(6):429-439).

GeneDx
Classification: Uncertain significance. Last evaluated: 2024-07-17. Review status: criteria provided, single submitter. Criteria: GeneDx Variant Classification Process June 2021. Collection method: clinical testing. Allele origin: germline. Affected: yes.
Comment: Not observed at significant frequency in large population cohorts (gnomAD); Frameshift variant predicted to result in abnormal protein length as the last 94 amino acids are replaced with 3 different amino acids; Has not been previously published as pathogenic or benign to our knowledge

Labcorp Genetics (formerly Invitae), Labcorp
Classification: Pathogenic for Long QT syndrome. Last evaluated: 2023-06-30. Review status: criteria provided, single submitter. Criteria: Invitae Variant Classification Sherloc (09022015). Collection method: clinical testing. Allele origin: germline.
Comment: ClinVar contains an entry for this variant (Variation ID: 1705696). This variant disrupts a region of the KCNE1 protein in which other variant(s) (p.Arg98Trp) have been determined to be pathogenic (PMID: 10973849, 16922724, 17341399, 21070882, 30530868, 32058015). This suggests that this is a clinically significant region of the protein, and that variants that disrupt it are likely to be disease-causing. For these reasons, this variant has been classified as Pathogenic. This sequence change creates a premature translational stop signal (p.Arg36Profs*4) in the KCNE1 gene. While this is not anticipated to result in nonsense mediated decay, it is expected to disrupt the last 94 amino acid(s) of the KCNE1 protein. This variant is not present in population databases (gnomAD no frequency). This variant has not been reported in the literature in individuals affected with KCNE1-related conditions.

3billion
Classification: Likely pathogenic for Long QT syndrome 5. Last evaluated: 2022-09-01. Review status: criteria provided, single submitter. Criteria: ACMG Guidelines, 2015. Collection method: clinical testing. Allele origin: germline. Affected: yes. Observed: 1 heterozygote.
Comment: The variant is not observed in the gnomAD v2.1.1 dataset. Frameshift variant is predicted to result in a loss or disruption of normal protein function through protein truncation. The predicted truncated protein may be shortened by more than 10%. Therefore, this variant is classified as Likely pathogenic according to the recommendation of ACMG/AMP guideline.

Literature cited by the submitters: PubMed 10973849 (cited by Labcorp Genetics (formerly Invitae), Labcorp); PubMed 16922724 (cited by Labcorp Genetics (formerly Invitae), Labcorp); PubMed 17341399 (cited by Labcorp Genetics (formerly Invitae), Labcorp); PubMed 21070882 (cited by Labcorp Genetics (formerly Invitae), Labcorp); PubMed 30530868 (cited by Labcorp Genetics (formerly Invitae), Labcorp); PubMed 32058015 (cited by Labcorp Genetics (formerly Invitae), Labcorp).